The following is an entry in ClinVar:

NM_005732.4(RAD50):c.1847A>G (p.Lys616Arg)

Gene: RAD50 (RAD50 double strand break repair protein; plus strand). Cytogenetic location: 5q31.1.
Variant type: single nucleotide variant.
Coding change: c.1847A>G on transcript NM_005732.4 (MANE Select); coding-DNA position 1847, A replaced by G.
Protein change: p.Lys616Arg; replaces lysine 616 with arginine.
Molecular consequence: missense variant.
Genome position (GRCh38, 1-based): chr5:132,594,922, A>G. VCF-style: chr5-132594922-A-G. GRCh37 (hg19) VCF-style: chr5-131930614-A-G.
Other names: short protein forms K616R.
Identifiers: ClinVar variation 240218 (VCV000240218.14), dbSNP rs878854788, ClinGen allele CA10582380.

ClinVar aggregate classification (germline): Uncertain significance. Review status: criteria provided, multiple submitters, no conflicts (2 of 4 stars). 2 submissions from 2 submitters: Uncertain significance (2). Last evaluated 2024-04-05.

Conditions:
Hereditary cancer-predisposing syndrome. Also called: Neoplastic Syndromes, Hereditary; Hereditary neoplastic syndrome; Tumor predisposition; Hereditary Cancer Syndrome. Identifiers: Orphanet 140162, MedGen C0027672, MeSH D009386, MONDO:0015356.

Allele frequency attached by ClinVar (database versions not stated): gnomAD exomes below 0.00001; TOPMed below 0.00001.
gnomAD v4.1: 1 of 1,608,972 alleles (0.000062%); highest among the groups gnomAD compares: Middle Eastern, 0.017%; no homozygotes.

Submissions (2):

Labcorp Genetics (formerly Invitae), Labcorp
Classification: Uncertain significance for Hereditary cancer-predisposing syndrome. Last evaluated: 2024-04-05. Review status: criteria provided, single submitter. Criteria: Invitae Variant Classification Sherloc (09022015). Collection method: clinical testing. Allele origin: germline.
Comment: This sequence change replaces lysine, which is basic and polar, with arginine, which is basic and polar, at codon 616 of the RAD50 protein (p.Lys616Arg). This variant is present in population databases (no rsID available, gnomAD no frequency). This variant has not been reported in the literature in individuals affected with RAD50-related conditions. ClinVar contains an entry for this variant (Variation ID: 240218). Advanced modeling of protein sequence and biophysical properties (such as structural, functional, and spatial information, amino acid conservation, physicochemical variation, residue mobility, and thermodynamic stability) performed at Invitae indicates that this missense variant is not expected to disrupt RAD50 protein function with a negative predictive value of 80%. In summary, the available evidence is currently insufficient to determine the role of this variant in disease. Therefore, it has been classified as a Variant of Uncertain Significance.

Ambry Genetics
Classification: Uncertain significance for Hereditary cancer-predisposing syndrome. Last evaluated: 2023-09-01. Review status: criteria provided, single submitter. Criteria: Ambry Variant Classification Scheme 2023. Collection method: clinical testing. Allele origin: germline.
Comment: The p.K616R variant (also known as c.1847A>G), located in coding exon 12 of the RAD50 gene, results from an A to G substitution at nucleotide position 1847. The lysine at codon 616 is replaced by arginine, an amino acid with highly similar properties. This amino acid position is not well conserved in available vertebrate species. In addition, this alteration is predicted to be tolerated by in silico analysis. Since supporting evidence is limited at this time, the clinical significance of this alteration remains unclear.